The following is an entry in ClinVar:

NM_032119.4(ADGRV1):c.11221C>T (p.Arg3741Cys)

Gene: ADGRV1 (adhesion G protein-coupled receptor V1; plus strand). Cytogenetic location: 5q14.3.
Variant type: single nucleotide variant.
Coding change: c.11221C>T on transcript NM_032119.4 (MANE Select); coding-DNA position 11221, C replaced by T.
Protein change: p.Arg3741Cys; replaces arginine 3741 with cysteine.
Molecular consequence: missense variant. On other transcripts: non-coding transcript variant (1).
Genome position (GRCh38, 1-based): chr5:90,753,673, C>T. VCF-style: chr5-90753673-C-T. GRCh37 (hg19) VCF-style: chr5-90049490-C-T.
Other names: short protein forms R3741C.
Identifiers: ClinVar variation 851012 (VCV000851012.12), dbSNP rs200182869, ClinGen allele CA3340928.
Genomic context (GRCh38, chr5:90,753,673, plus strand): 5'-CTAACTATTCTTGCTGATAATATACCAGAGTTATCAGAGGTTGTGATTGTAACCCTCACC[C>T]GTATCACCACAGAAGGGGTTGAGGACTCATACAAAGGTGCTACTATTGATCAGGACAGAA-3'
Protein context (NP_115495.3, residues 3731-3751): LSEVVIVTLT[Arg3741Cys]ITTEGVEDSY

ClinVar aggregate classification (germline): Conflicting classifications of pathogenicity. Review status: criteria provided, conflicting classifications (1 of 4 stars). 4 submissions from 4 submitters: Uncertain significance (3); Likely benign (1). Last evaluated 2026-01-25.

Conditions:
Inborn genetic diseases. Identifiers: MedGen C0950123, MeSH D030342.

Allele frequency attached by ClinVar (database versions not stated): gnomAD 0.00004; TOPMed 0.00004; gnomAD exomes 0.00005 and 0.00006; ExAC 0.00006; 1000 Genomes Project 30x 0.00016; 1000 Genomes Project 0.00020.
gnomAD v4.1: 89 of 1,613,560 alleles (0.0055%); highest among the groups gnomAD compares: Non-Finnish European, 0.0067%; no homozygotes.

Submissions (4):

Labcorp Genetics (formerly Invitae), Labcorp
Classification: Likely benign. Last evaluated: 2026-01-25. Review status: criteria provided, single submitter. Criteria: Invitae Variant Classification Sherloc (09022015). Collection method: clinical testing. Allele origin: germline.

Ambry Genetics
Classification: Uncertain significance for Inborn genetic diseases. Last evaluated: 2025-09-28. Review status: criteria provided, single submitter. Criteria: Ambry Variant Classification Scheme 2023. Collection method: clinical testing. Allele origin: germline.

GeneDx
Classification: Uncertain significance. Last evaluated: 2025-02-21. Review status: criteria provided, single submitter. Criteria: GeneDx Variant Classification Process June 2021. Collection method: clinical testing. Allele origin: germline. Affected: yes.
Comment: In silico analysis supports that this missense variant has a deleterious effect on protein structure/function; Has not been previously published as pathogenic or benign to our knowledge

Blueprint Genetics
Classification: Uncertain significance. Last evaluated: 2024-03-12. Review status: criteria provided, single submitter. Criteria: ACMG Guidelines, 2015. Collection method: clinical testing. Allele origin: germline.